The following is an entry in ClinVar:

NM_003239.5(TGFB3):c.1188dup (p.Lys397fs)

Gene: TGFB3 (transforming growth factor beta 3; minus strand). Cytogenetic location: 14q24.3.
Variant type: Duplication.
Coding change: c.1188dup on transcript NM_003239.5 (MANE Select); coding-DNA position 1188, one base duplicated (C; older notation c.1188dupC).
Protein change: p.Lys397fs; shifts the reading frame from lysine 397.
Molecular consequence: frameshift variant.
Genome position (GRCh38, 1-based): chr14:75,959,238, G duplicated on the plus strand (C on the coding strand, the reverse complement: TGFB3 is on the minus strand); the first of 5 consecutive G bases (chr14:75,959,238-75,959,242); duplicating any one gives the same sequence. VCF-style (leftmost placement, unchanged base first): chr14-75959237-T-TG. GRCh37 (hg19) VCF-style: chr14-76425580-T-TG.
Other names: c.1188dup, p.Lys397fs (NM_001329939.2); c.1188dupC (NM_003239.2); short protein forms K397fs.
Identifiers: ClinVar variation 1744041 (VCV001744041.2), dbSNP rs2504093549, ClinGen allele CA2580088777.

ClinVar aggregate classification (germline): Likely pathogenic (1 of 4 stars; one submission).

Conditions:
Familial thoracic aortic aneurysm and aortic dissection (TAAD). Also called: Thoracic aortic aneurysms and dissections. Identifiers: Orphanet 91387, MedGen C4707243, MONDO:0019625.

Submission:

Ambry Genetics
Classification: Likely pathogenic for Familial thoracic aortic aneurysm and aortic dissection. Last evaluated: 2021-04-05. Review status: criteria provided, single submitter. Criteria: Ambry Variant Classification Scheme 2023. Collection method: clinical testing. Allele origin: germline.
Comment: The c.1188dupC variant, located in coding exon 7 of the TGFB3 gene, results from a duplication of C at nucleotide position 1188, causing a translational frameshift with a predicted alternate stop codon (p.K397Qfs*14). This alteration occurs at the 3' terminus of theTGFB3 gene, is not expected to trigger nonsense-mediated mRNA decay, and only impacts the last 16 amino acids of the protein. However, premature stop codons are typically deleterious in nature and the impacted region is critical for protein function. Based on internal structural analysis, c.1188dupC is deleterious (Ambry internal data). The variant disrupts several interfaces, two disulfide bridges in the cysteine knot domain, and more than 10% of the active cytokine. This variant was not reported in population-based cohorts in the Genome Aggregation Database (gnomAD). Based on the majority of available evidence to date, this variant is likely to be pathogenic.